The following is an entry in ClinVar:

NM_003995.4(NPR2):c.863A>C (p.Glu288Ala)

Gene: NPR2 (natriuretic peptide receptor 2; plus strand). Cytogenetic location: 9p13.3.
Variant type: single nucleotide variant.
Coding change: c.863A>C on transcript NM_003995.4 (MANE Select); coding-DNA position 863, A replaced by C.
Protein change: p.Glu288Ala; replaces glutamic acid 288 with alanine.
Molecular consequence: missense variant.
Genome position (GRCh38, 1-based): chr9:35,794,093, A>C. VCF-style: chr9-35794093-A-C. GRCh37 (hg19) VCF-style: chr9-35794090-A-C.
Other names: c.863A>C, p.Glu288Ala (NM_001378923.1); short protein forms E288A.
Identifiers: ClinVar variation 1427915 (VCV001427915.6), dbSNP rs765509984, ClinGen allele CA5051532.

ClinVar aggregate classification (germline): Uncertain significance (1 of 4 stars; one submission).

Conditions:
Acromesomelic dysplasia 1, Maroteaux type (AMD1). Also called: ST. HELENA DYSPLASIA; ACROMESOMELIC DYSPLASIA 1. Identifiers: Orphanet 40, MedGen C1864356, MONDO:0011275, OMIM 602875.
Tall stature-scoliosis-macrodactyly of the great toes syndrome. Also called: Epiphyseal chondrodysplasia, miura type. Identifiers: Orphanet 329191, MedGen C4014690, MONDO:0014401, OMIM 615923.

Submission:

Labcorp Genetics (formerly Invitae), Labcorp
Classification: Uncertain significance for Tall stature-scoliosis-macrodactyly of the great toes syndrome; Acromesomelic dysplasia 1, Maroteaux type. Last evaluated: 2022-07-19. Review status: criteria provided, single submitter. Criteria: Invitae Variant Classification Sherloc (09022015). Collection method: clinical testing. Allele origin: germline.
Comment: In summary, the available evidence is currently insufficient to determine the role of this variant in disease. Therefore, it has been classified as a Variant of Uncertain Significance. Algorithms developed to predict the effect of missense changes on protein structure and function are either unavailable or do not agree on the potential impact of this missense change (SIFT: "Deleterious"; PolyPhen-2: "Benign"; Align-GVGD: "Class C65"). ClinVar contains an entry for this variant (Variation ID: 1427915). This variant has not been reported in the literature in individuals affected with NPR2-related conditions. This variant is present in population databases (rs765509984, gnomAD 0.006%). This sequence change replaces glutamic acid, which is acidic and polar, with alanine, which is neutral and non-polar, at codon 288 of the NPR2 protein (p.Glu288Ala).